The following is an entry in ClinVar:

ClinVar aggregate classification (germline): Uncertain significance. Review status: criteria provided, multiple submitters, no conflicts (2 of 4 stars). 2 submissions from 2 submitters: Uncertain significance (2). Last evaluated 2023-08-04.

Conditions:
Hereditary spastic paraplegia 4. Also called: Spastic Paraplegia 4; Spastic paraplegia 4, autosomal dominant; Familial spastic paraplegia autosomal dominant 2. Identifiers: Orphanet 100985, MedGen C1866855, MONDO:0008438, OMIM 182601.

Allele frequency attached by ClinVar (database versions not stated): gnomAD 0.00001; ExAC 0.00002; TOPMed 0.00002; ESP Exome Variant Server 0.00008.
gnomAD v4.1: 84 of 1,603,270 alleles (0.0052%); highest among the groups gnomAD compares: Non-Finnish European, 0.0067%; no homozygotes.

Submissions (2):

Labcorp Genetics (formerly Invitae), Labcorp
Classification: Uncertain significance for Hereditary spastic paraplegia 4. Last evaluated: 2023-08-04. Review status: criteria provided, single submitter. Criteria: Invitae Variant Classification Sherloc (09022015). Collection method: clinical testing. Allele origin: germline.
Comment: In summary, the available evidence is currently insufficient to determine the role of this variant in disease. Therefore, it has been classified as a Variant of Uncertain Significance. Advanced modeling of protein sequence and biophysical properties (such as structural, functional, and spatial information, amino acid conservation, physicochemical variation, residue mobility, and thermodynamic stability) has been performed at Invitae for this missense variant, however the output from this modeling did not meet the statistical confidence thresholds required to predict the impact of this variant on SPAST protein function. ClinVar contains an entry for this variant (Variation ID: 898889). This missense change has been observed in individuals with clinical features of hereditary spastic paraplegia (Invitae). This variant is present in population databases (rs377698691, gnomAD 0.006%). This sequence change replaces leucine, which is neutral and non-polar, with phenylalanine, which is neutral and non-polar, at codon 185 of the SPAST protein (p.Leu185Phe).

Illumina Laboratory Services, Illumina
Classification: Uncertain significance for Hereditary spastic paraplegia 4. Last evaluated: 2018-01-13. Review status: criteria provided, single submitter. Criteria: ICSL Variant Classification Criteria 13 December 2019. Collection method: clinical testing. Allele origin: germline.

NM_014946.4(SPAST):c.555G>C (p.Leu185Phe)

Gene: SPAST (spastin; plus strand). Cytogenetic location: 2p22.3.
Variant type: single nucleotide variant.
Coding change: c.555G>C on transcript NM_014946.4 (MANE Select); coding-DNA position 555, G replaced by C.
Protein change: p.Leu185Phe; replaces leucine 185 with phenylalanine.
Molecular consequence: missense variant.
Genome position (GRCh38, 1-based): chr2:32,089,574, G>C. VCF-style: chr2-32089574-G-C. GRCh37 (hg19) VCF-style: chr2-32314643-G-C.
Other names: c.552G>C, p.Leu184Phe (NM_001363823.2, NM_001363875.2); c.555G>C, p.Leu185Phe (NM_001377959.1, NM_199436.2); short protein forms L185F, L184F.
Identifiers: ClinVar variation 898889 (VCV000898889.11), dbSNP rs377698691, ClinGen allele CA1600621.